The following is an entry in ClinVar:

NM_004356.4(CD81):c.669C>T (p.Ser223=)

Gene: CD81 (CD81 molecule; plus strand). Cytogenetic location: 11p15.5.
Variant type: single nucleotide variant.
Coding change: c.669C>T on transcript NM_004356.4 (MANE Select); coding-DNA position 669, C replaced by T.
Protein change: p.Ser223=; no amino-acid change (serine 223 retained).
Molecular consequence: synonymous variant.
Genome position (GRCh38, 1-based): chr11:2,396,824, C>T. VCF-style: chr11-2396824-C-T. GRCh37 (hg19) VCF-style: chr11-2418054-C-T.
Other names: c.456C>T, p.Ser152= (NM_001297649.2).
Identifiers: ClinVar variation 1924867 (VCV001924867.7), dbSNP rs758743866, ClinGen allele CA5820160.
Genomic context (GRCh38, chr11:2,396,824, plus strand): 5'-GGGCCTTGTGCTGACTGCGCCCCCCACCACCCTCCTGCAGATCTTCGAGATGATCCTGAG[C>T]ATGGTGCTGTGCTGTGGCATCCGGAACAGCTCCGTGTACTGAGGCCCCGCAGCTCTGGCC-3'
Protein context (NP_004347.1, residues 213-233): AVIMIFEMIL[Ser223=]MVLCCGIRNS

ClinVar aggregate classification (germline): Likely benign. Review status: criteria provided, single submitter (1 of 4 stars). 2 submissions from 2 submitters: Likely benign (1). 1 of the submissions does not count toward it. Last evaluated 2024-08-20.

Conditions:
CD81-related disorder. Also called: CD81-related condition.

Allele frequency attached by ClinVar (database versions not stated): TOPMed 0.00002; ExAC 0.00003; gnomAD 0.00003; gnomAD exomes 0.00007.
gnomAD v4.1: 105 of 1,612,722 alleles (0.0065%); highest among the groups gnomAD compares: Non-Finnish European, 0.0086%; no homozygotes.

Submissions (2):

Labcorp Genetics (formerly Invitae), Labcorp
Classification: Likely benign. Last evaluated: 2024-08-20. Review status: criteria provided, single submitter. Criteria: Invitae Variant Classification Sherloc (09022015). Collection method: clinical testing. Allele origin: germline.

PreventionGenetics, part of Exact Sciences
Classification: Likely benign for CD81-related condition. Last evaluated: 2023-08-14. Review status: no assertion criteria provided. Collection method: clinical testing. Allele origin: germline. Not counted in ClinVar's aggregate classification.
Comment: This variant is classified as likely benign based on ACMG/AMP sequence variant interpretation guidelines (Richards et al. 2015 PMID: 25741868, with internal and published modifications).